The following is an entry in ClinVar:

NM_001042702.5(PJVK):c.762A>C (p.Glu254Asp)

Gene: PJVK (pejvakin; plus strand). Cytogenetic location: 2q31.2.
Variant type: single nucleotide variant.
Coding change: c.762A>C on transcript NM_001042702.5 (MANE Select); coding-DNA position 762, A replaced by C.
Protein change: p.Glu254Asp; replaces glutamic acid 254 with aspartic acid.
Molecular consequence: missense variant. On other transcripts: intron variant (1).
Genome position (GRCh38, 1-based): chr2:178,460,442, A>C. VCF-style: chr2-178460442-A-C. GRCh37 (hg19) VCF-style: chr2-179325169-A-C.
Other names: c.771A>C, p.Glu257Asp (NM_001353775.2); c.285A>C, p.Glu95Asp (NM_001353777.1, NM_001353778.2); c.762A>C, p.Glu254Asp (NM_001369912.1); c.773-540A>C (NM_001353776.2); short protein forms E254D, E257D, E95D.
Identifiers: ClinVar variation 228569 (VCV000228569.4), dbSNP rs770054482, ClinGen allele CA1984280.

ClinVar aggregate classification (germline): Uncertain significance (1 of 4 stars; one submission).

Allele frequency attached by ClinVar (database versions not stated): gnomAD exomes 0.00002 and 0.00001; ExAC 0.00001.
gnomAD v4.1: 4 of 1,613,664 alleles (0.00025%); highest among the groups gnomAD compares: Admixed American, 0.0067%; no homozygotes.

Submission:

Laboratory for Molecular Medicine, Mass General Brigham Personalized Medicine
Classification: Uncertain significance. Last evaluated: 2015-12-08. Review status: criteria provided, single submitter. Criteria: LMM Criteria. Collection method: clinical testing. Allele origin: germline. Observed: 1 variant allele.
Comment: The p.Glu254Asp variant in DFNB59 has not been previously reported in individual s with hearing loss or auditory neuropathy/dys-synchrony. This variant has been identified in 1/11536 Latino chromosomes by the Exome Aggregation Consortium (E xAC; dbSNP rs770054482). Computational predicti on tools and conservation analyses do not provide strong support for or against an impact to the protein. In summary, the clinical significance of the p.Glu254A sp variant is uncertain.